The following is an entry in ClinVar:

ClinVar aggregate classification (germline): Likely pathogenic (1 of 4 stars; one submission).

Conditions:
Intellectual developmental disorder, X-linked, syndromic 33. Also called: X-linked intellectual disability-global development delay-facial dysmorphism-sacral caudal remnant syndrome; Intellectual disability, X-linked, syndromic 33. Identifiers: Orphanet 480907, MedGen C4225418, MONDO:0010500, OMIM 300966.

Submission:

Servicio de Genética Del Instituto Nacional de Salud Del Niño, Ministerio de Salud
Classification: Likely pathogenic for Intellectual developmental disorder, X-linked, syndromic 33. Last evaluated: 2024-11-18. Review status: criteria provided, single submitter. Criteria: ACMG Guidelines, 2015. Collection method: clinical testing. Allele origin: germline. Inheritance: X-linked recessive inheritance. Affected: yes.
Comment: The variant NM_001286074.2:c.2324G>T (p.Arg775Leu) results in an arginine-to-leucine substitution at codon 775. According to ACMG/AMP guidelines, this variant meets the criteria for PM2, PP3, and PP2, supporting its classification as likely pathogenic

NM_004606.5(TAF1):c.2324G>T (p.Arg775Leu)

Gene: TAF1 (TATA-box binding protein associated factor 1; plus strand). Cytogenetic location: Xq13.1.
Variant type: single nucleotide variant.
Coding change: c.2324G>T on transcript NM_004606.5 (MANE Select); coding-DNA position 2324, G replaced by T.
Protein change: p.Arg775Leu; replaces arginine 775 with leucine.
Molecular consequence: missense variant. On other transcripts: non-coding transcript variant (9).
Genome position (GRCh38, 1-based): chrX:71,387,358, G>T. VCF-style: chrX-71387358-G-T. GRCh37 (hg19) VCF-style: chrX-70607208-G-T.
Other names: c.2261G>T, p.Arg754Leu (NM_138923.4); c.2324G>T, p.Arg775Leu (NM_001286074.2); short protein forms R754L, R775L.
Identifiers: ClinVar variation 3381218 (VCV003381218.2).